The following is an entry in ClinVar:

NM_182641.4(BPTF):c.5304-8C>T

Gene: BPTF (bromodomain PHD finger transcription factor; plus strand). Cytogenetic location: 17q24.2.
Variant type: single nucleotide variant.
Coding change: c.5304-8C>T on transcript NM_182641.4 (MANE Select); 8 bases into the intron before coding-DNA position 5304, C replaced by T.
Molecular consequence: intron variant.
Genome position (GRCh38, 1-based): chr17:67,918,706, C>T. VCF-style: chr17-67918706-C-T. GRCh37 (hg19) VCF-style: chr17-65914822-C-T.
Other names: c.5682-8C>T (NM_004459.7); c.5304-8C>T (NM_182641.3).
Identifiers: ClinVar variation 2041953 (VCV002041953.30), dbSNP rs200578093, ClinGen allele CA8725938.
Genomic context (GRCh38, chr17:67,918,706, plus strand): 5'-GAATATGAATGTGTATGTGTATGTATATACATATAGATATATATGGATTTCTTTGGTTTT[C>T]CTTTCAGGTATAGACTTCAGACAGTAAAGTCCTTAGCTGGAGTGAGCCTGATGTTACGGT-3'

ClinVar aggregate classification (germline): Benign/Likely benign. Review status: criteria provided, multiple submitters, no conflicts (2 of 4 stars). 4 submissions from 4 submitters: Benign (1); Likely benign (2). 1 of the submissions does not count toward it. Last evaluated 2026-01-07.

Conditions:
BPTF-related disorder. Also called: BPTF-related condition.

Allele frequency attached by ClinVar (database versions not stated): gnomAD exomes 0.00017; ExAC 0.00054; 1000 Genomes Project 0.00060; gnomAD 0.00164; 1000 Genomes Project 30x 0.00187; TOPMed 0.00189; ESP Exome Variant Server 0.00231.
gnomAD v4.1: 514 of 1,611,304 alleles (0.032%); highest among the groups gnomAD compares: African/African-American, 0.58%; 3 homozygotes.

Submissions (4):

Labcorp Genetics (formerly Invitae), Labcorp
Classification: Benign. Last evaluated: 2026-01-07. Review status: criteria provided, single submitter. Criteria: Invitae Variant Classification Sherloc (09022015). Collection method: clinical testing. Allele origin: germline.

CeGaT Center for Human Genetics Tuebingen
Classification: Likely benign. Last evaluated: 2025-12-01. Review status: criteria provided, single submitter. Criteria: CeGaT Center For Human Genetics Tuebingen Variant Classification Criteria Version 2. Collection method: clinical testing. Allele origin: germline. Affected: yes. Observed: 4 variant alleles.
Comment: BPTF: BP4, BS1

Blueprint Genetics
Classification: Likely benign. Last evaluated: 2024-11-11. Review status: criteria provided, single submitter. Criteria: ACMG Guidelines, 2015. Collection method: clinical testing. Allele origin: germline.

PreventionGenetics, part of Exact Sciences
Classification: Benign for BPTF-related condition. Last evaluated: 2019-03-05. Review status: no assertion criteria provided. Collection method: clinical testing. Allele origin: germline. Not counted in ClinVar's aggregate classification.
Comment: This variant is classified as benign based on ACMG/AMP sequence variant interpretation guidelines (Richards et al. 2015 PMID: 25741868, with internal and published modifications).